The following is an entry in ClinVar:

NM_000380.4(XPA):c.677T>A (p.Leu226Ter)

Gene: XPA (XPA, DNA damage recognition and repair factor; minus strand). Cytogenetic location: 9q22.33.
Variant type: single nucleotide variant.
Coding change: c.677T>A on transcript NM_000380.4 (MANE Select); coding-DNA position 677, T replaced by A.
Protein change: p.Leu226Ter; replaces leucine 226 with a stop codon.
Molecular consequence: nonsense. On other transcripts: non-coding transcript variant (5).
Genome position (GRCh38, 1-based): chr9:97,675,584, A>T on the plus strand (T>A on the coding strand, the complement: XPA is on the minus strand). VCF-style: chr9-97675584-A-T. GRCh37 (hg19) VCF-style: chr9-100437866-A-T.
Other names: c.551T>A, p.Leu184Ter (NM_001354975.2); short protein forms L226*, L184*.
Identifiers: ClinVar variation 554689 (VCV000554689.13), dbSNP rs1554699334, ClinGen allele CA374185561.

ClinVar aggregate classification (germline): Pathogenic. Review status: criteria provided, single submitter (1 of 4 stars). 2 submissions from 2 submitters: Pathogenic (1). 1 of the submissions does not count toward it. Last evaluated 2022-04-09.

Conditions:
Xeroderma pigmentosum group A (XPA). Also called: XPA-Related Xeroderma Pigmentosum; Xeroderma pigmentosum, complementation group A; XP, group A. Identifiers: Orphanet 910, MedGen C0268135, MONDO:0010210, OMIM 278700.

Submissions (2):

Labcorp Genetics (formerly Invitae), Labcorp
Classification: Pathogenic. Last evaluated: 2022-04-09. Review status: criteria provided, single submitter. Criteria: Invitae Variant Classification Sherloc (09022015). Collection method: clinical testing. Allele origin: germline.
Comment: For these reasons, this variant has been classified as Pathogenic. This variant disrupts a region of the XPA protein in which other variant(s) (p.Arg228*) have been determined to be pathogenic (PMID: 8105686, 27607234). This suggests that this is a clinically significant region of the protein, and that variants that disrupt it are likely to be disease-causing. Algorithms developed to predict the effect of sequence changes on RNA splicing suggest that this variant may create or strengthen a splice site. ClinVar contains an entry for this variant (Variation ID: 554689). This variant has not been reported in the literature in individuals affected with XPA-related conditions. This variant is not present in population databases (gnomAD no frequency). This sequence change creates a premature translational stop signal (p.Leu226*) in the XPA gene. While this is not anticipated to result in nonsense mediated decay, it is expected to disrupt the last 48 amino acid(s) of the XPA protein.

Counsyl
Classification: Likely pathogenic for Xeroderma pigmentosum group A. Last evaluated: 2017-11-07. Review status: no assertion criteria provided. Collection method: clinical testing. Allele origin: unknown. Not counted in ClinVar's aggregate classification.

Literature cited by the submitters: PubMed 8105686 (cited by Labcorp Genetics (formerly Invitae), Labcorp); PubMed 27607234 (cited by Labcorp Genetics (formerly Invitae), Labcorp).